The following is an entry in ClinVar:

NM_007194.4(CHEK2):c.83C>T (p.Ser28Phe)

Gene: CHEK2 (checkpoint kinase 2; minus strand). Cytogenetic location: 22q12.1.
Variant type: single nucleotide variant.
Coding change: c.83C>T on transcript NM_007194.4 (MANE Select); coding-DNA position 83, C replaced by T.
Protein change: p.Ser28Phe; replaces serine 28 with phenylalanine.
Molecular consequence: missense variant.
Genome position (GRCh38, 1-based): chr22:28,734,639, G>A on the plus strand (C>T on the coding strand, the complement: CHEK2 is on the minus strand). VCF-style: chr22-28734639-G-A. GRCh37 (hg19) VCF-style: chr22-29130627-G-A.
Other names: c.83C>T, p.Ser28Phe (NM_001005735.3, NM_001349956.3, NM_145862.3); c.-695C>T (NM_001257387.3); short protein forms S28F.
Identifiers: ClinVar variation 2900230 (VCV002900230.3), dbSNP rs2146153004, ClinGen allele CA411091614.

ClinVar aggregate classification (germline): Uncertain significance (1 of 4 stars; one submission).

Conditions:
Familial cancer of breast. Also called: hereditary breast carcinoma; BREAST CANCER, FAMILIAL; Hereditary breast cancer. Identifiers: Orphanet 227535, MedGen C0346153, MONDO:0016419, OMIM 114480. Disease mechanism: loss of function.

Submission:

Labcorp Genetics (formerly Invitae), Labcorp
Classification: Uncertain significance for Familial cancer of breast. Last evaluated: 2023-02-27. Review status: criteria provided, single submitter. Criteria: Invitae Variant Classification Sherloc (09022015). Collection method: clinical testing. Allele origin: germline.
Comment: In summary, the available evidence is currently insufficient to determine the role of this variant in disease. Therefore, it has been classified as a Variant of Uncertain Significance. An algorithm developed to predict the effect of missense changes on protein structure and function (PolyPhen-2) suggests that this variant is likely to be tolerated. This variant has not been reported in the literature in individuals affected with CHEK2-related conditions. This variant is not present in population databases (gnomAD no frequency). This sequence change replaces serine, which is neutral and polar, with phenylalanine, which is neutral and non-polar, at codon 28 of the CHEK2 protein (p.Ser28Phe).